The following is an entry in ClinVar:

ClinVar aggregate classification (germline): Conflicting classifications of pathogenicity. Review status: criteria provided, conflicting classifications (1 of 4 stars). 2 submissions from 2 submitters: Likely pathogenic (1); Uncertain significance (1). Last evaluated 2025-04-28.

Conditions:
Atrial septal defect 5 (ASD5). Identifiers: Orphanet 1478, MedGen C2748552, MONDO:0013011, OMIM 612794.
Dilated cardiomyopathy 1R (CMD1R). Identifiers: Orphanet 154, Orphanet 54260, MedGen C3150681, MONDO:0013261, OMIM 613424.
Hypertrophic cardiomyopathy 11. Also called: ACTC1-Related Familial Hypertrophic Cardiomyopathy. Identifiers: MedGen C2677506, MONDO:0012799, OMIM 612098.

Submissions (2):

Labcorp Genetics (formerly Invitae), Labcorp
Classification: Uncertain significance for Dilated cardiomyopathy 1R; Hypertrophic cardiomyopathy 11; Atrial septal defect 5. Last evaluated: 2025-04-28. Review status: criteria provided, single submitter. Criteria: Invitae Variant Classification Sherloc (09022015). Collection method: clinical testing. Allele origin: germline.
Comment: This sequence change replaces isoleucine, which is neutral and non-polar, with threonine, which is neutral and polar, at codon 329 of the ACTC1 protein (p.Ile329Thr). This variant is not present in population databases (gnomAD no frequency). This missense change has been observed in individual(s) with left ventricular noncompaction (PMID: 24691700). ClinVar contains an entry for this variant (Variation ID: 180778). Invitae Evidence Modeling of protein sequence and biophysical properties (such as structural, functional, and spatial information, amino acid conservation, physicochemical variation, residue mobility, and thermodynamic stability) indicates that this missense variant is not expected to disrupt ACTC1 protein function with a negative predictive value of 80%. In summary, the available evidence is currently insufficient to determine the role of this variant in disease. Therefore, it has been classified as a Variant of Uncertain Significance.

GeneDx
Classification: Likely pathogenic. Last evaluated: 2012-01-23. Review status: criteria provided, single submitter. Criteria: GeneDx Variant Classification (06012015). Collection method: clinical testing. Allele origin: germline. Affected: yes.
Comment: This missense change is denoted p.Ile329Thr (aka I329T) at the protein level, and c.986 T>C at the cDNA level. The Ile329Thr variant in the ACTC1 gene has not been reported previously as a disease-causing mutation or as a benign polymorphism, to our knowledge. Ile329Thr results in a non-conservative amino acid substitution of a non-polar Isoleucine with a neutral, polar Threonine at a position that is highly conserved throughout evolution. In silico analysis predicts Ile329Thr is probably damaging to the protein structure/function. A mutation in a nearby codon (Ala333Pro) has been reported in association with cardiomyopathy (Olson et al. 2000), supporting the functional importance of this region of the protein. Furthermore, Ile329Thr was not detected in up to 400 control alleles from individuals of Caucasian and African American ancestry tested at GeneDx, indicating it is not a common benign variant in these populations. In summary, with the clinical and molecular information available at this time, we cannot unequivocally determine the clinical significance of the Ile329Thr variant in the ACTC1 gene, though evidence suggests it may be disease-causing. The variant is found in DCM panel(s).

Literature cited by the submitters: PubMed 24691700 (cited by Labcorp Genetics (formerly Invitae), Labcorp).

NM_005159.5(ACTC1):c.986T>C (p.Ile329Thr)

Genes: GJD2-DT (GJD2 divergent transcript; plus strand), ACTC1 (actin alpha cardiac muscle 1; minus strand). Cytogenetic location: 15q14.
Variant type: single nucleotide variant.
Coding change: c.986T>C on transcript NM_005159.5 (MANE Select); coding-DNA position 986, T replaced by C.
Protein change: p.Ile329Thr; replaces isoleucine 329 with threonine.
Molecular consequence: missense variant.
Genome position (GRCh38, 1-based): chr15:34,791,118, A>G on the plus strand (T>C on the coding strand, the complement: ACTC1 is on the minus strand). VCF-style: chr15-34791118-A-G. GRCh37 (hg19) VCF-style: chr15-35083319-A-G.
Other names: p.I329T:ATT>ACT; c.986T>C (LRG_388t1); short protein forms I329T.
Identifiers: ClinVar variation 180778 (VCV000180778.6), dbSNP rs730880410, ClinGen allele CA020017.